The following is an entry in ClinVar:

ClinVar aggregate classification (germline): Uncertain significance (1 of 4 stars; one submission).

gnomAD v4.1: 6 of 1,584,252 alleles (0.00038%); highest among the groups gnomAD compares: Admixed American, 0.0033%; no homozygotes.

Submission:

Women's Health and Genetics/Laboratory Corporation of America, LabCorp
Classification: Uncertain significance. Last evaluated: 2025-06-23. Review status: criteria provided, single submitter. Criteria: LabCorp Variant Classification Summary - May 2015. Collection method: clinical testing. Allele origin: germline.
Comment: Variant summary: SMARCA5 c.621+4T>C alters a conserved nucleotide located close to a canonical splice site and therefore could affect mRNA splicing, leading to a significantly altered protein sequence. Consensus agreement among computation tools predict no significant impact on normal splicing. However, these predictions have yet to be confirmed by functional studies. The variant allele was found at a frequency of 8e-06 in 251330 control chromosomes (gnomAD). The available data on variant occurrences in the general population are insufficient to allow any conclusion about variant significance. To our knowledge, no occurrence of c.621+4T>C in individuals affected with Complex Neurodevelopmental Disorder and no experimental evidence demonstrating its impact on protein function have been reported. No submitters have cited clinical-significance assessments for this variant to ClinVar. Based on the evidence outlined above, the variant was classified as uncertain significance.

NM_003601.4(SMARCA5):c.621+4T>C

Gene: SMARCA5 (SNF2 related chromatin remodeling ATPase 5; plus strand). Cytogenetic location: 4q31.21.
Variant type: single nucleotide variant.
Coding change: c.621+4T>C on transcript NM_003601.4 (MANE Select); 4 bases into the intron after coding-DNA position 621, T replaced by C.
Molecular consequence: intron variant.
Genome position (GRCh38, 1-based): chr4:143,525,555, T>C. VCF-style: chr4-143525555-T-C. GRCh37 (hg19) VCF-style: chr4-144446708-T-C.
Identifiers: ClinVar variation 3907594 (VCV003907594.1).
Genomic context (GRCh38, chr4:143,525,555, plus strand): 5'-AACTGGCTCATTTCTTTGTATGAGAATGGCATCAATGGTATCCTTGCAGATGAAATGGTA[T>C]GTGTTGGTAGTTTTTTTTGAAGGGTATGTTTTGTATTGAAAATATCTTATACGTTGATAA-3'